The following is an entry in ClinVar:

ClinVar aggregate classification (germline): Benign. Review status: criteria provided, multiple submitters, no conflicts (2 of 4 stars). 4 submissions from 4 submitters: Benign (3). 1 of the submissions does not count toward it. Last evaluated 2026-05-21.

Conditions:
Intervertebral disc disease, susceptibility to. Identifiers: MedGen C4015963.

Submissions (4):

Women's Health and Genetics/Laboratory Corporation of America, LabCorp
Classification: Benign. Last evaluated: 2026-05-21. Review status: criteria provided, single submitter. Criteria: LabCorp Variant Classification Summary - May 2015. Collection method: clinical testing. Allele origin: germline.
Comment: Variant summary: COL9A2 c.976_977delinsTG (p.Gln326Trp) is part of a multinucleotide combination of 1-40773149-T-C (c.977A>G, p.Gln326Arg) and 1-40773150-G-A (p.Gln326Ter) that results in a non-conservative amino acid change in the encoded protein sequence. Algorithms developed to predict the effect of missense changes on protein structure and function are either unavailable or do not agree on the potential impact of this missense change. Based on the frequency of the least prevalent allele, namely c.976C>T, it can be estimated that the complex variant allele will be found at a frequency not to exceed 0.014 in 1614022 control chromosomes, predominantly at a frequency of 0.12 within the East Asian subpopulation in the gnomAD database, including 288 homozygotes. The observed variant frequency within East Asian control individuals in the gnomAD database exceeds the estimated maximal expected allele frequency for disease-causing variants in COL9A2. To our knowledge, no occurrence of c.976_977delinsTG in individuals affected with COL9A2-related conditions and no experimental evidence demonstrating its impact on protein function have been reported. ClinVar contains an entry for this variant (Variation ID: 17145). Based on the evidence outlined above, the variant was classified as benign.

Labcorp Genetics (formerly Invitae), Labcorp
Classification: Benign. Last evaluated: 2026-02-02. Review status: criteria provided, single submitter. Criteria: Invitae Variant Classification Sherloc (09022015). Collection method: clinical testing. Allele origin: germline.

Athena Diagnostics
Classification: Benign. Last evaluated: 2018-05-24. Review status: criteria provided, single submitter. Criteria: Athena Diagnostics Criteria. Collection method: clinical testing. Allele origin: germline.

OMIM
Classification: Uncertain significance for RECLASSIFIED - VARIANT OF UNKNOWN SIGNIFICANCE. Last evaluated: 1999-07-16. Review status: no assertion criteria provided. Collection method: literature only. Allele origin: germline. Not counted in ClinVar's aggregate classification.

Literature cited by the submitters: PubMed 10411504 (cited by Athena Diagnostics and OMIM); PubMed 16586133 (cited by Athena Diagnostics); PubMed 16371896 (cited by Athena Diagnostics); PubMed 18246003 (cited by Athena Diagnostics); PubMed 27798555 (cited by Athena Diagnostics); PubMed 17024315 (cited by Athena Diagnostics); PubMed 16133074 (cited by Athena Diagnostics); PubMed 14644861 (cited by Athena Diagnostics); PubMed 12782139 (cited by Athena Diagnostics); PubMed 22912517 (cited by Athena Diagnostics).

NM_001852.4(COL9A2):c.976_977inv (p.Gln326Trp)

Gene: COL9A2 (collagen type IX alpha 2 chain; minus strand). Cytogenetic location: 1p34.2.
Variant type: Inversion.
Coding change: c.976_977inv on transcript NM_001852.4 (MANE Select).
Protein change: p.Gln326Trp; replaces glutamine 326 with tryptophan.
Molecular consequence: missense variant.
Genome position: GRCh38 VCF-style: chr1-40307477-TG-CA. GRCh37 (hg19) VCF-style: chr1-40773149-TG-CA.
Other names: c.976_977delinsTG (NM_001852.4); short protein forms Q326W.
Identifiers: ClinVar variation 17145 (VCV000017145.12), dbSNP rs137853213, ClinGen allele CA127105.
Genomic context (GRCh38, chr1:40,307,477, plus strand): 5'-CAGCCCCTGTGGCTCCACCTGACACTTACCGCTAGGCCCTGGTGGCCTGGACTTCCGGGC[TG>CA]TCCCGCCTGTCCTGCACTGCCCTGGGATAGACAGATAACCAAAGATACAAATTAAAGCTC-3'
Protein context (NP_001843.1, residues 316-336): GMKGSAGQAG[Gln326Trp]PGSPGHQGLA